The following is an entry in ClinVar:

ClinVar aggregate classification (germline): Uncertain significance (1 of 4 stars; one submission).

Conditions:
Cardiovascular phenotype. Identifiers: MedGen CN230736.

Submission:

Ambry Genetics
Classification: Uncertain significance for Cardiovascular phenotype. Last evaluated: 2025-10-03. Review status: criteria provided, single submitter. Criteria: Ambry Variant Classification Scheme 2023. Collection method: clinical testing. Allele origin: germline.
Comment: The c.2144delA variant, located in coding exon 22 of the MYBPC3 gene, results from a deletion of one nucleotide at nucleotide position 2144, causing a translational frameshift with a predicted alternate stop codon (p.K715Rfs*39). Loss-of-function variants are expected to result in loss of function by premature protein truncation or nonsense-mediated mRNA decay. However, in silico splice site analysis predicts that this alteration may weaken the native splice donor site. The exact functional effect of this variant is unknown. Based on the available evidence, the clinical significance of this variant remains unclear.

NM_000256.3(MYBPC3):c.2144del (p.Lys715fs)

Gene: MYBPC3 (myosin binding protein C3; minus strand). Cytogenetic location: 11p11.2.
Variant type: Deletion.
Coding change: c.2144del on transcript NM_000256.3 (MANE Select); coding-DNA position 2144, one base deleted (A; older notation c.2144delA).
Protein change: p.Lys715fs; shifts the reading frame from lysine 715.
Molecular consequence: frameshift variant.
Genome position (GRCh38, 1-based): chr11:47,339,328, T deleted on the plus strand (A on the coding strand, the reverse complement: MYBPC3 is on the minus strand); the first of 2 consecutive T bases (chr11:47,339,328-47,339,329); deleting either gives the same sequence. VCF-style (leftmost placement, unchanged base first): chr11-47339327-CT-C. GRCh37 (hg19) VCF-style: chr11-47360878-CT-C.
Other names: c.2144delA (NM_000256.3); short protein forms K715fs.
Identifiers: ClinVar variation 4614576 (VCV004614576.1).